The following is an entry in ClinVar:

NM_006939.4(SOS2):c.3347G>A (p.Ser1116Asn)

Gene: SOS2 (SOS Ras/Rho guanine nucleotide exchange factor 2; minus strand). Cytogenetic location: 14q21.3.
Variant type: single nucleotide variant.
Coding change: c.3347G>A on transcript NM_006939.4 (MANE Select); coding-DNA position 3347, G replaced by A.
Protein change: p.Ser1116Asn; replaces serine 1116 with asparagine.
Molecular consequence: missense variant.
Genome position (GRCh38, 1-based): chr14:50,129,993, C>T on the plus strand (G>A on the coding strand, the complement: SOS2 is on the minus strand). VCF-style: chr14-50129993-C-T. GRCh37 (hg19) VCF-style: chr14-50596711-C-T.
Other names: c.3248G>A, p.Ser1083Asn (NM_001411020.1); short protein forms S1083N, S1116N.
Identifiers: ClinVar variation 1730471 (VCV001730471.5), dbSNP rs1164424709, ClinGen allele CA389640291.

ClinVar aggregate classification (germline): Uncertain significance. Review status: criteria provided, multiple submitters, no conflicts (2 of 4 stars). 3 submissions from 3 submitters: Uncertain significance (3). Last evaluated 2025-02-12.

Conditions:
Cardiovascular phenotype. Identifiers: MedGen CN230736.
Noonan syndrome 9 (NS9). Identifiers: Orphanet 648, MedGen C4225282, MONDO:0014691, OMIM 616559.

Allele frequency attached by ClinVar (database versions not stated): gnomAD 0.00001.
gnomAD v4.1: 3 of 1,586,086 alleles (0.00019%); highest among the groups gnomAD compares: Non-Finnish European, 0.00026%; no homozygotes.

Submissions (3):

Labcorp Genetics (formerly Invitae), Labcorp
Classification: Uncertain significance for Noonan syndrome 9. Last evaluated: 2025-02-12. Review status: criteria provided, single submitter. Criteria: Invitae Variant Classification Sherloc (09022015). Collection method: clinical testing. Allele origin: germline.
Comment: This sequence change replaces serine, which is neutral and polar, with asparagine, which is neutral and polar, at codon 1116 of the SOS2 protein (p.Ser1116Asn). This variant is not present in population databases (gnomAD no frequency). This variant has not been reported in the literature in individuals affected with SOS2-related conditions. ClinVar contains an entry for this variant (Variation ID: 1730471). Invitae Evidence Modeling of protein sequence and biophysical properties (such as structural, functional, and spatial information, amino acid conservation, physicochemical variation, residue mobility, and thermodynamic stability) indicates that this missense variant is not expected to disrupt SOS2 protein function with a negative predictive value of 95%. In summary, the available evidence is currently insufficient to determine the role of this variant in disease. Therefore, it has been classified as a Variant of Uncertain Significance.

Baylor Genetics
Classification: Uncertain significance for Noonan syndrome 9. Last evaluated: 2022-12-13. Review status: criteria provided, single submitter. Criteria: ACMG Guidelines, 2015. Collection method: clinical testing. Allele origin: unknown.

Ambry Genetics
Classification: Uncertain significance for Cardiovascular phenotype. Last evaluated: 2022-10-17. Review status: criteria provided, single submitter. Criteria: Ambry Variant Classification Scheme 2023. Collection method: clinical testing. Allele origin: germline.
Comment: The p.S1116N variant (also known as c.3347G>A), located in coding exon 21 of the SOS2 gene, results from a G to A substitution at nucleotide position 3347. The serine at codon 1116 is replaced by asparagine, an amino acid with highly similar properties. This amino acid position is conserved. In addition, this alteration is predicted to be tolerated by in silico analysis. Since supporting evidence is limited at this time, the clinical significance of this alteration remains unclear.